The following is an entry in ClinVar:

NM_006361.6(HOXB13):c.730G>A (p.Asp244Asn)

Gene: HOXB13 (homeobox B13; minus strand). Cytogenetic location: 17q21.32.
Variant type: single nucleotide variant.
Coding change: c.730G>A on transcript NM_006361.6 (MANE Select); coding-DNA position 730, G replaced by A.
Protein change: p.Asp244Asn; replaces aspartic acid 244 with asparagine.
Molecular consequence: missense variant.
Genome position (GRCh38, 1-based): chr17:48,726,915, C>T on the plus strand (G>A on the coding strand, the complement: HOXB13 is on the minus strand). VCF-style: chr17-48726915-C-T. GRCh37 (hg19) VCF-style: chr17-46804277-C-T.
Other names: short protein forms D244N.
Identifiers: ClinVar variation 483495 (VCV000483495.20), dbSNP rs372121677, ClinGen allele CA291349093.

ClinVar aggregate classification (germline): Uncertain significance. Review status: criteria provided, multiple submitters, no conflicts (2 of 4 stars). 5 submissions from 5 submitters: Uncertain significance (5). Last evaluated 2026-04-24.

Conditions:
HOXB13-related disorder. Also called: HOXB13-related disorders; HOXB13-related condition.
Hereditary cancer-predisposing syndrome. Also called: Neoplastic Syndromes, Hereditary; Hereditary Cancer Syndrome; Tumor predisposition; Hereditary neoplastic syndrome. Identifiers: Orphanet 140162, MedGen C0027672, MeSH D009386, MONDO:0015356.

Allele frequency attached by ClinVar (database versions not stated): gnomAD exomes below 0.00001 and 0.00001; gnomAD 0.00002; TOPMed 0.00002; ESP Exome Variant Server 0.00008.

Submissions (5):

PreventionGenetics, part of Exact Sciences
Classification: Uncertain significance for HOXB13-related condition. Last evaluated: 2026-04-24. Review status: criteria provided, single submitter. Criteria: ACMG Guidelines, 2015. Collection method: clinical testing. Allele origin: germline.
Comment: The HOXB13 c.730G>A variant is predicted to result in the amino acid substitution p.Asp244Asn. To our knowledge, this variant has not been reported in the literature in individuals with HOXB13-related conditions. This variant is reported in 0.0023% of alleles in individuals of European (Non-Finnish) descent in gnomAD. In ClinVar, this variant is classified as uncertain significance (Variation ID: 483495). At this time, the clinical significance of this variant is uncertain due to the absence of conclusive functional and genetic evidence.

Labcorp Genetics (formerly Invitae), Labcorp
Classification: Uncertain significance. Last evaluated: 2025-11-25. Review status: criteria provided, single submitter. Criteria: Invitae Variant Classification Sherloc (09022015). Collection method: clinical testing. Allele origin: germline.
Comment: This sequence change replaces aspartic acid, which is acidic and polar, with asparagine, which is neutral and polar, at codon 244 of the HOXB13 protein (p.Asp244Asn). The frequency data for this variant in the population databases is considered unreliable, as metrics indicate poor data quality at this position in the gnomAD database. This variant has not been reported in the literature in individuals affected with HOXB13-related conditions. ClinVar contains an entry for this variant (Variation ID: 483495). Invitae Evidence Modeling of protein sequence and biophysical properties (such as structural, functional, and spatial information, amino acid conservation, physicochemical variation, residue mobility, and thermodynamic stability) has been performed for this missense variant. However, the output from this modeling did not meet the statistical confidence thresholds required to predict the impact of this variant on HOXB13 protein function. In summary, the available evidence is currently insufficient to determine the role of this variant in disease. Therefore, it has been classified as a Variant of Uncertain Significance.

Ambry Genetics
Classification: Uncertain significance for Hereditary cancer-predisposing syndrome. Last evaluated: 2024-11-16. Review status: criteria provided, single submitter. Criteria: Ambry Variant Classification Scheme 2023. Collection method: clinical testing. Allele origin: germline.
Comment: The p.D244N variant (also known as c.730G>A), located in coding exon 2 of the HOXB13 gene, results from a G to A substitution at nucleotide position 730. The aspartic acid at codon 244 is replaced by asparagine, an amino acid with highly similar properties. This amino acid position is highly conserved in available vertebrate species. In addition, the in silico prediction for this alteration is inconclusive. Since supporting evidence is limited at this time, the clinical significance of this alteration remains unclear.

GeneDx
Classification: Uncertain significance. Last evaluated: 2024-03-26. Review status: criteria provided, single submitter. Criteria: GeneDx Variant Classification Process June 2021. Collection method: clinical testing. Allele origin: germline. Affected: yes.
Comment: Not observed at significant frequency in large population cohorts (gnomAD); In silico analysis supports that this missense variant has a deleterious effect on protein structure/function; Has not been previously published as pathogenic or benign to our knowledge; This variant is associated with the following publications: (PMID: 28072499, 19389631, 8756292)

Quest Diagnostics Nichols Institute San Juan Capistrano
Classification: Uncertain significance. Last evaluated: 2023-07-28. Review status: criteria provided, single submitter. Criteria: Quest Diagnostics criteria. Collection method: clinical testing. Allele origin: unknown.
Comment: In the published literature, this variant has been reported in an individual with desmoplastic melanoma (PMID: 26343386 (2015)). The frequency of this variant in the general population, 0.000023 (3/129188 chromosomes (Genome Aggregation Database)), is uninformative in the assessment of its pathogenicity. Analysis of this variant using bioinformatics tools for the prediction of the effect of amino acid changes on protein structure and function yielded predictions that this variant is damaging. Based on the available information, we are unable to determine the clinical significance of this variant.

Literature cited by the submitters: PubMed 26343386 (cited by Quest Diagnostics Nichols Institute San Juan Capistrano); PubMed 28072499 (cited by Quest Diagnostics Nichols Institute San Juan Capistrano).